The following is an entry in ClinVar:

ClinVar aggregate classification (germline): Uncertain significance (1 of 4 stars; one submission).

Submission:

GeneDx
Classification: Uncertain significance. Last evaluated: 2019-11-11. Review status: criteria provided, single submitter. Criteria: GeneDx Variant Classification Process June 2021. Collection method: clinical testing. Allele origin: germline. Affected: yes.
Comment: In silico analysis, which includes protein predictors and evolutionary conservation, supports a deleterious effect; Not observed in large population cohorts (Lek et al., 2016); Has not been previously published as pathogenic or benign to our knowledge

NM_017617.5(NOTCH1):c.718A>G (p.Thr240Ala)

Gene: NOTCH1 (notch receptor 1; minus strand). Cytogenetic location: 9q34.3.
Variant type: single nucleotide variant.
Coding change: c.718A>G on transcript NM_017617.5 (MANE Select); coding-DNA position 718, A replaced by G.
Protein change: p.Thr240Ala; replaces threonine 240 with alanine.
Molecular consequence: missense variant.
Genome position (GRCh38, 1-based): chr9:136,522,874, T>C on the plus strand (A>G on the coding strand, the complement: NOTCH1 is on the minus strand). VCF-style: chr9-136522874-T-C. GRCh37 (hg19) VCF-style: chr9-139417326-T-C.
Other names: short protein forms T240A.
Identifiers: ClinVar variation 1310226 (VCV001310226.2), dbSNP rs1843394776, ClinGen allele CA375569145.
Genomic context (GRCh38, chr9:136,522,874, plus strand): 5'-AGGGGCTCGTGCACCCCGGCCAGCGGGCAGCACTACCTGGCAGGCAGGCACACTCGTGGG[T>C]GACGTCGCCCGTGGGGCGGCAGGTGCCCCCGTTCTGGCAGGGCGAGGGGCTGCAGGGCAC-3'
Protein context (NP_060087.3, residues 230-250): GGTCRPTGDV[Thr240Ala]HECACLPGFT